The following is an entry in ClinVar:

NM_003482.4(KMT2D):c.1932G>A (p.Met644Ile)

Gene: KMT2D (lysine methyltransferase 2D; minus strand). Cytogenetic location: 12q13.12.
Variant type: single nucleotide variant.
Coding change: c.1932G>A on transcript NM_003482.4 (MANE Select); coding-DNA position 1932, G replaced by A.
Protein change: p.Met644Ile; replaces methionine 644 with isoleucine.
Molecular consequence: missense variant.
Genome position (GRCh38, 1-based): chr12:49,051,751, C>T on the plus strand (G>A on the coding strand, the complement: KMT2D is on the minus strand). VCF-style: chr12-49051751-C-T. GRCh37 (hg19) VCF-style: chr12-49445534-C-T.
Other names: short protein forms M644I.
Identifiers: ClinVar variation 4044507 (VCV004044507.2).
Genomic context (GRCh38, chr12:49,051,751, plus strand): 5'-TGGAGACAGGCGTGACACCACAGGCAGGGGGGATAGGCGCGATACCTCAGGTGGGGGGGA[C>T]ATAGGTGATTCTTCAGGTGGTGGGGACATAGGCGAGTCCTCAGGTGGTGGGGACAGGCGT-3'
Protein context (NP_003473.3, residues 634-654): PMSPPPEESP[Met644Ile]SPPPEVSRLS

ClinVar aggregate classification (germline): Uncertain significance. Review status: criteria provided, multiple submitters, no conflicts (2 of 4 stars). 2 submissions from 2 submitters: Uncertain significance (2). Last evaluated 2026-04-01.

Conditions:
KMT2D-related disorder. Also called: KMT2D-Related Disorders.
Inborn genetic diseases. Identifiers: MedGen C0950123, MeSH D030342.

Submissions (2):

PreventionGenetics, part of Exact Sciences
Classification: Uncertain significance for KMT2D-related condition. Last evaluated: 2026-04-01. Review status: criteria provided, single submitter. Criteria: ACMG Guidelines, 2015. Collection method: clinical testing. Allele origin: germline.
Comment: The KMT2D c.1932G>A variant is predicted to result in the amino acid substitution p.Met644Ile. To our knowledge, this variant has not been reported in the literature in individuals with KMT2D-related disorders or in a large population database (gnomAD), indicating this variant is rare. At this time, the clinical significance of this variant is uncertain due to the absence of conclusive functional and genetic evidence.

Ambry Genetics
Classification: Uncertain significance for Inborn genetic diseases. Last evaluated: 2025-06-07. Review status: criteria provided, single submitter. Criteria: Ambry Variant Classification Scheme 2023. Collection method: clinical testing. Allele origin: germline.